The following is an entry in ClinVar:

ClinVar aggregate classification (germline): Likely benign. Review status: criteria provided, multiple submitters, no conflicts (2 of 4 stars). 2 submissions from 2 submitters: Likely benign (2). Last evaluated 2024-12-31.

Conditions:
Muscular dystrophy-dystroglycanopathy (congenital with brain and eye anomalies), type A13. Also called: WALKER-WARBURG SYNDROME OR MUSCLE-EYE-BRAIN DISEASE, B3GNT1-RELATED; Muscular dystrophy-dystroglycanopathy (congenital with brain and eye anomalies), type a, 13. Identifiers: Orphanet 899, MedGen C3809042, MONDO:0014120, OMIM 615287.

Allele frequency attached by ClinVar (database versions not stated): TOPMed below 0.00001; gnomAD 0.00001; gnomAD exomes 0.00001.

Submissions (2):

Labcorp Genetics (formerly Invitae), Labcorp
Classification: Likely benign for Muscular dystrophy-dystroglycanopathy (congenital with brain and eye anomalies), type A13. Last evaluated: 2024-12-31. Review status: criteria provided, single submitter. Criteria: Invitae Variant Classification Sherloc (09022015). Collection method: clinical testing. Allele origin: germline.

GeneDx
Classification: Likely benign. Last evaluated: 2016-07-05. Review status: criteria provided, single submitter. Criteria: GeneDx Variant Classification (06012015). Collection method: clinical testing. Allele origin: germline. Affected: yes.
Comment: This variant is considered likely benign or benign based on one or more of the following criteria: it is a conservative change, it occurs at a poorly conserved position in the protein, it is predicted to be benign by multiple in silico algorithms, and/or has population frequency not consistent with disease.

NM_006876.3(B4GAT1):c.177C>T (p.Val59=)

Gene: B4GAT1 (beta-1,4-glucuronyltransferase 1; minus strand). Cytogenetic location: 11q13.2.
Variant type: single nucleotide variant.
Coding change: c.177C>T on transcript NM_006876.3 (MANE Select); coding-DNA position 177, C replaced by T.
Protein change: p.Val59=; no amino-acid change (valine 59 retained).
Molecular consequence: synonymous variant.
Genome position (GRCh38, 1-based): chr11:66,347,369, G>A on the plus strand (C>T on the coding strand, the complement: B4GAT1 is on the minus strand). VCF-style: chr11-66347369-G-A. GRCh37 (hg19) VCF-style: chr11-66114840-G-A.
Identifiers: ClinVar variation 421536 (VCV000421536.3), dbSNP rs1064795197, ClinGen allele CA16619381.